The following is an entry in ClinVar:

ClinVar aggregate classification (germline): Uncertain significance (1 of 4 stars; one submission).

Conditions:
Mucolipidosis type II. Also called: Mucolipidosis 2; ML 2; Inclusion cell disease; Leroy Disease; N-acetylglucosamine 1phosphotransferase deficiency; ML disorder type 2. Identifiers: Orphanet 576, MedGen C2673377, MONDO:0009650, OMIM 252500.
Pseudo-Hurler polydystrophy. Also called: ML IIIA; Mucolipidosis III Alpha/Beta; MUCOLIPIDOSIS IIIA; ML III; ML III ALPHA/BETA; Type III Mucolipidosis. Identifiers: Orphanet 423461, Orphanet 577, MedGen C0033788, MONDO:0018931, OMIM 252600.

Allele frequency attached by ClinVar (database versions not stated): ExAC 0.00002.
gnomAD v4.1: 4 of 1,614,080 alleles (0.00025%); highest among the groups gnomAD compares: Middle Eastern, 0.016%; no homozygotes.

Submission:

Labcorp Genetics (formerly Invitae), Labcorp
Classification: Uncertain significance for Pseudo-Hurler polydystrophy; Mucolipidosis type II. Last evaluated: 2024-01-17. Review status: criteria provided, single submitter. Criteria: Invitae Variant Classification Sherloc (09022015). Collection method: clinical testing. Allele origin: germline.
Comment: This sequence change replaces asparagine, which is neutral and polar, with isoleucine, which is neutral and non-polar, at codon 506 of the GNPTAB protein (p.Asn506Ile). This variant is present in population databases (rs776297380, gnomAD 0.002%). This variant has not been reported in the literature in individuals affected with GNPTAB-related conditions. ClinVar contains an entry for this variant (Variation ID: 2140901). Advanced modeling of protein sequence and biophysical properties (such as structural, functional, and spatial information, amino acid conservation, physicochemical variation, residue mobility, and thermodynamic stability) performed at Invitae indicates that this missense variant is expected to disrupt GNPTAB protein function with a positive predictive value of 80%. Algorithms developed to predict the effect of sequence changes on RNA splicing suggest that this variant may disrupt the consensus splice site. In summary, the available evidence is currently insufficient to determine the role of this variant in disease. Therefore, it has been classified as a Variant of Uncertain Significance.

NM_024312.5(GNPTAB):c.1517A>T (p.Asn506Ile)

Gene: GNPTAB (N-acetylglucosamine-1-phosphate transferase subunits alpha and beta; minus strand). Cytogenetic location: 12q23.2.
Variant type: single nucleotide variant.
Coding change: c.1517A>T on transcript NM_024312.5 (MANE Select); coding-DNA position 1517, A replaced by T.
Protein change: p.Asn506Ile; replaces asparagine 506 with isoleucine.
Molecular consequence: missense variant.
Genome position (GRCh38, 1-based): chr12:101,766,186, T>A on the plus strand (A>T on the coding strand, the complement: GNPTAB is on the minus strand). VCF-style: chr12-101766186-T-A. GRCh37 (hg19) VCF-style: chr12-102159964-T-A.
Other names: short protein forms N506I.
Identifiers: ClinVar variation 2140901 (VCV002140901.4), dbSNP rs776297380, ClinGen allele CA6746598.
Genomic context (GRCh38, chr12:101,766,186, plus strand): 5'-AAGACATTGCATGCTTGGTCACAGAACTTATCAGCGAGCCAGGAATTCGCACATCCCTGA[T>A]TACAGTAAGAGACACTGTTTATTCCTCCACCAAACTGCCAGGGCTGTCCAACTCCAATAC-3'
Protein context (NP_077288.2, residues 496-516): GGGINSVSYC[Asn506Ile]QGCANSWLAD